The following is an entry in ClinVar:

NM_000059.4(BRCA2):c.4135C>G (p.Gln1379Glu)

Gene: BRCA2 (BRCA2 DNA repair associated; plus strand). Cytogenetic location: 13q13.1.
Variant type: single nucleotide variant.
Coding change: c.4135C>G on transcript NM_000059.4 (MANE Select); coding-DNA position 4135, C replaced by G.
Protein change: p.Gln1379Glu; replaces glutamine 1379 with glutamic acid.
Molecular consequence: missense variant.
Genome position (GRCh38, 1-based): chr13:32,338,490, C>G. VCF-style: chr13-32338490-C-G. GRCh37 (hg19) VCF-style: chr13-32912627-C-G.
Other names: c.4135C>G, p.Gln1379Glu (NM_001406719.1, NM_001406720.1); short protein forms Q1379E.
Identifiers: ClinVar variation 2431871 (VCV002431871.4), dbSNP rs2072497088, ClinGen allele CA387779390.

ClinVar aggregate classification (germline): Conflicting classifications of pathogenicity. Review status: criteria provided, conflicting classifications (1 of 4 stars). 3 submissions from 3 submitters: Uncertain significance (1); Likely benign (2). Last evaluated 2026-02-02.

Conditions:
Hereditary cancer-predisposing syndrome. Also called: Neoplastic Syndromes, Hereditary; Tumor predisposition; Hereditary Cancer Syndrome; Hereditary neoplastic syndrome. Identifiers: Orphanet 140162, MedGen C0027672, MeSH D009386, MONDO:0015356.
Breast-ovarian cancer, familial, susceptibility to, 2 (BROVCA2). Also called: BRCA2 Hereditary Breast and Ovarian Cancer. Identifiers: Orphanet 145, MedGen C2675520, MONDO:0012933, OMIM 612555. Disease mechanism: loss of function.

Allele frequency attached by ClinVar (database versions not stated): gnomAD exomes below 0.00001.
gnomAD v4.1: 1 of 1,610,104 alleles (0.000062%); highest among the groups gnomAD compares: Non-Finnish European, 0.000085%; no homozygotes.

Submissions (3):

Ambry Genetics
Classification: Likely benign for Hereditary cancer-predisposing syndrome. Last evaluated: 2026-02-02. Review status: criteria provided, single submitter. Criteria: Ambry Variant Classification Scheme 2023. Collection method: clinical testing. Allele origin: germline.

University of Washington Department of Laboratory Medicine, University of Washington
Classification: Likely benign for Hereditary cancer-predisposing syndrome. Last evaluated: 2023-03-23. Review status: criteria provided, single submitter. Criteria: Dines et al. (Genet Med. 2020). Collection method: curation. Allele origin: germline.
Comment: Missense variant in a coldspot region where missense variants are very unlikely to be pathogenic (PMID:31911673).

BRCA2 exon 11 coldspot. Reclassification based on statistical prior probability.

Laboratorio de Genetica e Diagnostico Molecular, Hospital Israelita Albert Einstein
Classification: Uncertain significance for Breast-ovarian cancer, familial, susceptibility to, 2. Last evaluated: 2022-04-29. Review status: criteria provided, single submitter. Criteria: ACMG Guidelines, 2015. Collection method: clinical testing. Allele origin: germline. Affected: yes. Observed: 1 variant allele.
Comment: ACMG classification criteria: PM2 moderated, BP4 supporting